The following is an entry in ClinVar:

ClinVar aggregate classification (germline): Uncertain significance (1 of 4 stars; one submission).

Conditions:
Hereditary cancer-predisposing syndrome. Also called: Hereditary neoplastic syndrome; Neoplastic Syndromes, Hereditary; Tumor predisposition; Hereditary Cancer Syndrome. Identifiers: Orphanet 140162, MedGen C0027672, MeSH D009386, MONDO:0015356.

Submission:

Ambry Genetics
Classification: Uncertain significance for Hereditary cancer-predisposing syndrome. Last evaluated: 2025-01-31. Review status: criteria provided, single submitter. Criteria: Ambry Variant Classification Scheme 2023. Collection method: clinical testing. Allele origin: germline.
Comment: The p.Y864C variant (also known as c.2591A>G), located in coding exon 12 of the BLM gene, results from an A to G substitution at nucleotide position 2591. The tyrosine at codon 864 is replaced by cysteine, an amino acid with highly dissimilar properties. This amino acid position is conserved. In addition, this alteration is predicted to be deleterious by in silico analysis. Based on the available evidence, the clinical significance of this variant remains unclear.

NM_000057.4(BLM):c.2591A>G (p.Tyr864Cys)

Gene: BLM (BLM RecQ like helicase; plus strand). Cytogenetic location: 15q26.1.
Variant type: single nucleotide variant.
Coding change: c.2591A>G on transcript NM_000057.4 (MANE Select); coding-DNA position 2591, A replaced by G.
Protein change: p.Tyr864Cys; replaces tyrosine 864 with cysteine.
Molecular consequence: missense variant.
Genome position (GRCh38, 1-based): chr15:90,782,857, A>G. VCF-style: chr15-90782857-A-G. GRCh37 (hg19) VCF-style: chr15-91326087-A-G.
Other names: c.2591A>G, p.Tyr864Cys (NM_001287246.2, NM_001287247.2); c.1466A>G, p.Tyr489Cys (NM_001287248.2); short protein forms Y489C, Y864C.
Identifiers: ClinVar variation 3824461 (VCV003824461.1).